The following is an entry in ClinVar:

ClinVar aggregate classification (germline): Uncertain significance (1 of 4 stars; one submission).

Conditions:
Combined immunodeficiency due to LRBA deficiency. Also called: Common variable immunodeficiency 8, with autoimmunity. Identifiers: Orphanet 445018, MedGen C3553512, MONDO:0013863, OMIM 614700.

Allele frequency attached by ClinVar (database versions not stated): gnomAD exomes below 0.00001.
gnomAD v4.1: 1 of 1,607,094 alleles (0.000062%); highest among the groups gnomAD compares: Non-Finnish European, 0.000085%; no homozygotes.

Submission:

Labcorp Genetics (formerly Invitae), Labcorp
Classification: Uncertain significance for Combined immunodeficiency due to LRBA deficiency. Last evaluated: 2021-12-29. Review status: criteria provided, single submitter. Criteria: Invitae Variant Classification Sherloc (09022015). Collection method: clinical testing. Allele origin: germline.
Comment: This variant has not been reported in the literature in individuals affected with LRBA-related conditions. In summary, the available evidence is currently insufficient to determine the role of this variant in disease. Therefore, it has been classified as a Variant of Uncertain Significance. Algorithms developed to predict the effect of sequence changes on RNA splicing suggest that this variant may create or strengthen a splice site. Algorithms developed to predict the effect of missense changes on protein structure and function (SIFT, PolyPhen-2, Align-GVGD) all suggest that this variant is likely to be tolerated. This variant is not present in population databases (gnomAD no frequency). This sequence change replaces aspartic acid, which is acidic and polar, with glycine, which is neutral and non-polar, at codon 491 of the LRBA protein (p.Asp491Gly).

NM_001364905.1(LRBA):c.1472A>G (p.Asp491Gly)

Gene: LRBA (LPS responsive beige-like anchor protein; minus strand). Cytogenetic location: 4q31.3.
Variant type: single nucleotide variant.
Coding change: c.1472A>G on transcript NM_001364905.1 (MANE Select); coding-DNA position 1472, A replaced by G.
Protein change: p.Asp491Gly; replaces aspartic acid 491 with glycine.
Molecular consequence: missense variant.
Genome position (GRCh38, 1-based): chr4:150,908,355, T>C on the plus strand (A>G on the coding strand, the complement: LRBA is on the minus strand). VCF-style: chr4-150908355-T-C. GRCh37 (hg19) VCF-style: chr4-151829507-T-C.
Other names: c.1472A>G, p.Asp491Gly (NM_001199282.3, NM_001367550.1, NM_006726.5); short protein forms D491G.
Identifiers: ClinVar variation 2065956 (VCV002065956.4), dbSNP rs2546645083, ClinGen allele CA358433181.